The following is an entry in ClinVar:

ClinVar aggregate classification (germline): Likely benign (0 of 4 stars; one submission).

Conditions:
OPLAH-related disorder. Also called: OPLAH-related condition.

Allele frequency attached by ClinVar (database versions not stated): TOPMed below 0.00001.
gnomAD v4.1: 13 of 1,595,460 alleles (0.00081%); highest among the groups gnomAD compares: Non-Finnish European, 0.0011%; no homozygotes.

Submission:

PreventionGenetics, part of Exact Sciences
Classification: Likely benign for OPLAH-related condition. Last evaluated: 2019-07-11. Review status: no assertion criteria provided. Collection method: clinical testing. Allele origin: germline.
Comment: This variant is classified as likely benign based on ACMG/AMP sequence variant interpretation guidelines (Richards et al. 2015 PMID: 25741868, with internal and published modifications).

NM_017570.5(OPLAH):c.3207G>C (p.Pro1069=)

Gene: OPLAH (5-oxoprolinase, ATP-hydrolysing; minus strand). Cytogenetic location: 8q24.3.
Variant type: single nucleotide variant.
Coding change: c.3207G>C on transcript NM_017570.5 (MANE Select); coding-DNA position 3207, G replaced by C.
Protein change: p.Pro1069=; no amino-acid change (proline 1069 retained).
Molecular consequence: synonymous variant.
Genome position (GRCh38, 1-based): chr8:144,052,545, C>G on the plus strand (G>C on the coding strand, the complement: OPLAH is on the minus strand). VCF-style: chr8-144052545-C-G. GRCh37 (hg19) VCF-style: chr8-145107448-C-G.
Identifiers: ClinVar variation 3049937 (VCV003049937.2), dbSNP rs1835409083, ClinGen allele CA463538820.